The following is an entry in ClinVar:

NM_022173.4(TIA1):c.167A>G (p.His56Arg)

Gene: TIA1 (TIA1 cytotoxic granule associated RNA binding protein; minus strand). Cytogenetic location: 2p13.3.
Variant type: single nucleotide variant.
Coding change: c.167A>G on transcript NM_022173.4 (MANE Select); coding-DNA position 167, A replaced by G.
Protein change: p.His56Arg; replaces histidine 56 with arginine.
Molecular consequence: missense variant. On other transcripts: 5 prime UTR variant (6), non-coding transcript variant (17).
Genome position (GRCh38, 1-based): chr2:70,230,811, T>C on the plus strand (A>G on the coding strand, the complement: TIA1 is on the minus strand). VCF-style: chr2-70230811-T-C. GRCh37 (hg19) VCF-style: chr2-70457943-T-C.
Other names: c.167A>G, p.His56Arg (NM_001351508.2, NM_001351510.2, NM_001351516.2 and 5 more transcripts); c.173A>G, p.His58Arg (NM_001351509.2, NM_001351520.2); c.56A>G, p.His19Arg (NM_001351511.1, NM_001351513.1); c.62A>G, p.His21Arg (NM_001351512.1); c.-29A>G (NM_001351514.2, NM_001351523.2); c.-223A>G (NM_001351515.2); c.-472A>G (NM_001351517.2); c.-249A>G (NM_001351524.2); and 1 more; short protein forms H19R, H21R, H56R, H58R.
Identifiers: ClinVar variation 1004639 (VCV001004639.8), dbSNP rs1352651621, ClinGen allele CA347157677.

ClinVar aggregate classification (germline): Uncertain significance (1 of 4 stars; one submission).

Conditions:
Welander distal myopathy (WDM). Also called: Gower's muscular dystrophy; MUSCULAR DYSTROPHY, DISTAL, LATE-ONSET, AUTOSOMAL DOMINANT; Welander distal myopathy, Swedish type; Distal myopathy, Swedish type. Identifiers: Orphanet 603, MedGen C0221054, MONDO:0011466, OMIM 604454.

Allele frequency attached by ClinVar (database versions not stated): TOPMed 0.00001.

Submission:

Labcorp Genetics (formerly Invitae), Labcorp
Classification: Uncertain significance for Welander distal myopathy. Last evaluated: 2021-04-05. Review status: criteria provided, single submitter. Criteria: Invitae Variant Classification Sherloc (09022015). Collection method: clinical testing. Allele origin: germline.
Comment: In summary, the available evidence is currently insufficient to determine the role of this variant in disease. Therefore, it has been classified as a Variant of Uncertain Significance. Algorithms developed to predict the effect of missense changes on protein structure and function (SIFT, PolyPhen-2, Align-GVGD) all suggest that this variant is likely to be tolerated, but these predictions have not been confirmed by published functional studies and their clinical significance is uncertain. This variant has not been reported in the literature in individuals with TIA1-related conditions. This variant is not present in population databases (ExAC no frequency). This sequence change replaces histidine with arginine at codon 56 of the TIA1 protein (p.His56Arg). The histidine residue is highly conserved and there is a small physicochemical difference between histidine and arginine.